The following is an entry in ClinVar:

ClinVar aggregate classification (germline): Uncertain significance (1 of 4 stars; one submission).

Allele frequency attached by ClinVar (database versions not stated): gnomAD exomes below 0.00001.
gnomAD v4.1: 1 of 1,598,174 alleles (0.000063%); highest among the groups gnomAD compares: Non-Finnish European, 0.000085%; no homozygotes.

Submission:

Labcorp Genetics (formerly Invitae), Labcorp
Classification: Uncertain significance. Last evaluated: 2023-04-10. Review status: criteria provided, single submitter. Criteria: Invitae Variant Classification Sherloc (09022015). Collection method: clinical testing. Allele origin: germline.
Comment: In summary, the available evidence is currently insufficient to determine the role of this variant in disease. Therefore, it has been classified as a Variant of Uncertain Significance. Algorithms developed to predict the effect of sequence changes on RNA splicing suggest that this variant may create or strengthen a splice site. This variant has not been reported in the literature in individuals affected with RERE-related conditions. This variant is not present in population databases (gnomAD no frequency). This sequence change falls in intron 20 of the RERE gene. It does not directly change the encoded amino acid sequence of the RERE protein.

NM_001042681.2(RERE):c.3618+16G>A

Gene: RERE (arginine-glutamic acid dipeptide repeats; minus strand). Cytogenetic location: 1p36.23.
Variant type: single nucleotide variant.
Coding change: c.3618+16G>A on transcript NM_001042681.2 (MANE Select); 16 bases into the intron after coding-DNA position 3618, G replaced by A.
Molecular consequence: intron variant.
Genome position (GRCh38, 1-based): chr1:8,359,748, C>T on the plus strand (G>A on the coding strand, the complement: RERE is on the minus strand). VCF-style: chr1-8359748-C-T. GRCh37 (hg19) VCF-style: chr1-8419808-C-T.
Other names: c.3618+16G>A (NM_012102.4); c.1956+16G>A (NM_001042682.2).
Identifiers: ClinVar variation 2960361 (VCV002960361.3), dbSNP rs2522705274, ClinGen allele CA2643066243.